The following is an entry in ClinVar:

NM_000784.4(CYP27A1):c.1435C>T (p.Arg479Cys)

Gene: CYP27A1 (cytochrome P450 family 27 subfamily A member 1; plus strand). Cytogenetic location: 2q35.
Variant type: single nucleotide variant.
Coding change: c.1435C>T on transcript NM_000784.4 (MANE Select); coding-DNA position 1435, C replaced by T.
Protein change: p.Arg479Cys; replaces arginine 479 with cysteine.
Molecular consequence: missense variant.
Genome position (GRCh38, 1-based): chr2:218,814,716, C>T. VCF-style: chr2-218814716-C-T. GRCh37 (hg19) VCF-style: chr2-219679439-C-T.
Other names: R446C; c.1435C>T; short protein forms R479C.
Identifiers: ClinVar variation 4254 (VCV000004254.45), dbSNP rs72551322, ClinGen allele CA340210.

ClinVar aggregate classification (germline): Pathogenic/Likely pathogenic. Review status: criteria provided, multiple submitters, no conflicts (2 of 4 stars). 18 submissions from 18 submitters: Pathogenic (11); Likely pathogenic (1). 6 of the submissions do not count toward it. Last evaluated 2026-01-20.

Conditions:
CYP27A1-related disorder. Also called: CYP27A1-related condition.
Cardiovascular phenotype. Identifiers: MedGen CN230736.
Cholestanol storage disease (CTX). Also called: CEREBRAL CHOLESTERINOSIS; Cerebrotendinous Xanthomatosis; CTX: Cerebrotendinous xanthomatosis. Identifiers: Orphanet 909, MedGen C0238052, MONDO:0008948, OMIM 213700.

Allele frequency attached by ClinVar (database versions not stated): TOPMed 0.00007.
gnomAD v4.1: 102 of 1,614,024 alleles (0.0063%); highest among the groups gnomAD compares: African/African-American, 0.008%; no homozygotes.

Submissions (18):

Natera, Inc.
Classification: Pathogenic for Cerebrotendinous xanthomatosis. Last evaluated: 2026-01-20. Review status: criteria provided, single submitter. Criteria: Natera Variant Classification Schema (03/2026). Collection method: clinical testing. Allele origin: germline.
Comment: The c.1435C>T variant in CYP27A1 is a missense variant predicted to cause substitution of arginine to cysteine at amino acid 479. This variant is rare in the general population with a frequency below the threshold expected for the associated phenotype(s). This variant has been observed in one or more individuals affected with the associated recessive disease, as either homozygous or compound heterozygous with a second variant (PMID: 31796091, 2019602). Given the available evidence, this variant is classified as Pathogenic.

Labcorp Genetics (formerly Invitae), Labcorp
Classification: Pathogenic for Cholestanol storage disease. Last evaluated: 2026-01-19. Review status: criteria provided, single submitter. Criteria: Invitae Variant Classification Sherloc (09022015). Collection method: clinical testing. Allele origin: germline.
Comment: This sequence change replaces arginine, which is basic and polar, with cysteine, which is neutral and slightly polar, at codon 479 of the CYP27A1 protein (p.Arg479Cys). The frequency data for this variant in the population databases is considered unreliable, as metrics indicate poor data quality at this position in the gnomAD database. This missense change has been observed in individuals with cerebrotendinous xanthomatosis (PMID: 2019602, 21073839, 24584636). This variant is also known as p.Arg446Cys. ClinVar contains an entry for this variant (Variation ID: 4254). Invitae Evidence Modeling of protein sequence and biophysical properties (such as structural, functional, and spatial information, amino acid conservation, physicochemical variation, residue mobility, and thermodynamic stability) indicates that this missense variant is expected to disrupt CYP27A1 protein function with a positive predictive value of 95%. Experimental studies have shown that this missense change affects CYP27A1 function (PMID: 2019602). This variant disrupts the p.Arg479 amino acid residue in CYP27A1. Other variant(s) that disrupt this residue have been observed in individuals with CYP27A1-related conditions (PMID: 16278884, 29095540), which suggests that this may be a clinically significant amino acid residue. For these reasons, this variant has been classified as Pathogenic.

Variantyx, Inc.
Classification: Likely pathogenic for Cholestanol storage disease. Last evaluated: 2026-01-15. Review status: criteria provided, single submitter. Criteria: Variantyx Assertion Criteria 2022. Collection method: clinical testing. Allele origin: germline. Inheritance: Autosomal recessive inheritance. Affected: no.
Comment: This is a nonsynonymous variant in the CYP27A1 gene (OMIM: 606530). Pathogenic variants in this gene have been associated with autosomal recessive cerebrotendinous xanthomatosis. This variant has been identified in the homozygous or compound heterozygous state in several individuals reported in the published literature (PMID: 22878431, 2019602, 24584636) (PM3). Functional studies have shown that this variant alters CYP27A1 protein function (PMID: 2019602, 17697869) (PS3_Moderate), and multiple computational algorithms predict a deleterious effect for this variant (REVEL score: 0.753) (PP3). Furthermore, several alternate amino acid changes at this codon (p.Arg479Gly, p.Arg479Ser) have been previously reported in similarly affected individuals, which suggests that this residue is biologically important (PMID: 16278884, 29095540) (PM5). This variant has a 0.0080% maximum allele frequency in non-founder control populations (PM2). Based on the current evidence, this variant is classified as likely pathogenic for autosomal recessive cerebrotendinous xanthomatosis.

Ambry Genetics
Classification: Pathogenic for Cardiovascular phenotype. Last evaluated: 2025-09-04. Review status: criteria provided, single submitter. Criteria: Ambry Variant Classification Scheme 2023. Collection method: clinical testing. Allele origin: germline.
Comment: The p.R479C pathogenic mutation (also known as c.1435C>T), located in coding exon 8 of the CYP27A1 gene, results from a C to T substitution at nucleotide position 1435. The arginine at codon 479 is replaced by cysteine, an amino acid with highly dissimilar properties. This variant has been identified in the homozygous state and/or in conjunction with other CYP27A1 variant(s) in individual(s) with features consistent with Cerebrotendinous xanthomatosis (Cali JJ et al. J Biol Chem, 1991 Apr;266:7779-83; Lagarde J et al. Mov Disord, 2012 Dec;27:1805-10; Ginanneschi F et al. J Neurol, 2013 Jan;260:268-74; Mandrile G et al. Neurol Sci, 2014 Aug;35:1303-5). This amino acid position is highly conserved in available vertebrate species. In addition, this alteration is predicted to be deleterious by in silico analysis. Based on the supporting evidence, this variant is interpreted as a disease-causing mutation.

Mayo Clinic Laboratories, Mayo Clinic
Classification: Pathogenic. Last evaluated: 2025-04-15. Review status: criteria provided, single submitter. Criteria: ACMG Guidelines, 2015. Collection method: clinical testing. Allele origin: germline. Observed: 2 variant alleles.
Comment: PP3_moderate, PM2_supporting, PM3, PS3, PS4

Fulgent Genetics
Classification: Pathogenic for Cholestanol storage disease. Last evaluated: 2024-05-20. Review status: criteria provided, single submitter. Criteria: ACMG Guidelines, 2015. Collection method: clinical testing. Allele origin: germline.

Blueprint Genetics
Classification: Pathogenic for CYP27A1-related disorders. Last evaluated: 2024-05-03. Review status: criteria provided, single submitter. Criteria: ACMG Guidelines, 2015. Collection method: clinical testing. Allele origin: germline. Affected: yes. Observed: 5 variant alleles.

GeneDx
Classification: Pathogenic. Last evaluated: 2023-12-07. Review status: criteria provided, single submitter. Criteria: GeneDx Variant Classification Process June 2021. Collection method: clinical testing. Allele origin: germline. Affected: yes.
Comment: Published functional studies demonstrate a damaging effect; the R479C reduces enzyme activity and impairs heme function (PMID: 17697869, 2019602); In silico analysis supports that this missense variant has a deleterious effect on protein structure/function; This variant is associated with the following publications: (PMID: 34426522, 31589614, 2019602, 32344004, 25112387, 21073839, 24584636, 31796091, 16816916, 33967188, 26643207, 20414172, 34689324, 36294757, 22878431, 34493867, 24002088, 17697869)

Women's Health and Genetics/Laboratory Corporation of America, LabCorp
Classification: Pathogenic for Cholestanol storage disease. Last evaluated: 2022-02-09. Review status: criteria provided, single submitter. Criteria: LabCorp Variant Classification Summary - May 2015. Collection method: clinical testing. Allele origin: germline.
Comment: Variant summary: CYP27A1 c.1435C>T (p.Arg479Cys) results in a non-conservative amino acid change in the encoded protein sequence. Five of five in-silico tools predict a damaging effect of the variant on protein function. The variant allele was found at a frequency of 4.4e-05 in 250796 control chromosomes. This frequency is not significantly higher than expected for a pathogenic variant in CYP27A1 causing Cerebrotendinous Xanthomatosis (4.4e-05 vs 0.0011), allowing no conclusion about variant significance. c.1435C>T has been reported in the literature in multiple individuals affected with Cerebrotendinous Xanthomatosis (examples: Cali_1991, Lee_2001, Ginanneschi_2013). Functional studies have shown that the variant impairs enzyme function in vitro (Cali_1991). Five clinical diagnostic laboratories have submitted clinical-significance assessments for this variant to ClinVar after 2014 without evidence for independent evaluation. Three submitters classified as pathogenic while two classified as VUS. Based on the evidence outlined above, the variant was classified as pathogenic.

Department of Pathology and Laboratory Medicine, Sinai Health System
Classification: Pathogenic for cerebrotendinous xanthomatosis. Last evaluated: 2021-07-30. Review status: criteria provided, single submitter. Criteria: ACMG Guidelines, 2015. Collection method: research. Allele origin: germline.

Eurofins Ntd Llc (ga)
Classification: Pathogenic. Last evaluated: 2018-05-03. Review status: criteria provided, single submitter. Criteria: EGL ClinVar v180209 classification definitions. Collection method: clinical testing. Allele origin: germline. Observed: 1 variant allele, 1 heterozygote.

Juno Genomics, Hangzhou Juno Genomics, Inc
Classification: Pathogenic for Cholestanol storage disease. Review status: criteria provided, single submitter. Criteria: ACMG Guidelines, 2015. Collection method: clinical testing. Allele origin: germline.
Comment: Absent from controls (or at extremely low frequency if recessive) in Genome Aggregation Database.;Multiple lines of computational evidence support a deleterious effect on the gene or gene product.;For recessive disorders, detected in trans with a pathogenic variant.;Co-segregation with disease in multiple affected family members.

PreventionGenetics, part of Exact Sciences
Classification: Pathogenic for CYP27A1-related condition. Last evaluated: 2024-08-20. Review status: no assertion criteria provided. Collection method: clinical testing. Allele origin: germline. Not counted in ClinVar's aggregate classification.
Comment: The CYP27A1 c.1435C>T variant is predicted to result in the amino acid substitution p.Arg479Cys. This variant, also referred at as p.Arg446Cys in the literature, has been reported in both homozygous and compound heterozygous states and is known to be causative for cerebrotendinous xanthomatosis (Cali et al. 1991. PubMed ID: 2019602; Mandrile et al. 2014. PubMed ID: 24584636). This variant is located within the protein domain cytochrome P450 and this substitution likely affects ferredoxin binding (Gupta et al. 2007. PubMed ID: 17697869). This variant is reported in 0.015% of alleles in individuals of East Asian descent in gnomAD. This variant is interpreted as pathogenic.

Centre de Biologie Pathologie Génétique, Centre Hospitalier Universitaire de Lille
Classification: Pathogenic for Cholestanol storage disease. Last evaluated: 2019-01-01. Review status: no assertion criteria provided. Collection method: clinical testing. Allele origin: unknown. Inheritance: Autosomal recessive inheritance. Affected: yes. Not counted in ClinVar's aggregate classification.

GeneReviews
Classification: Pathogenic for Cerebrotendinous Xanthomatosis. Last evaluated: 2013-08-01. Review status: no assertion criteria provided. Collection method: curation. Allele origin: unknown. Not counted in ClinVar's aggregate classification.
ClinVar note: Converted during submission from pathologic to Pathogenic.

OMIM
Classification: Pathogenic for CEREBROTENDINOUS XANTHOMATOSIS. Last evaluated: 1991-04-25. Review status: no assertion criteria provided. Collection method: literature only. Allele origin: germline. Not counted in ClinVar's aggregate classification.

Clinical Genetics, Academic Medical Center
Classification: Pathogenic. Review status: no assertion criteria provided. Collection method: clinical testing. Allele origin: germline. Affected: yes. Study: VKGL Data-share Consensus. Not counted in ClinVar's aggregate classification.

Joint Genome Diagnostic Labs from Nijmegen and Maastricht, Radboudumc and MUMC+
Classification: Pathogenic. Review status: no assertion criteria provided. Collection method: clinical testing. Allele origin: germline. Affected: yes. Study: VKGL Data-share Consensus. Not counted in ClinVar's aggregate classification.

Literature cited by the submitters: PubMed 31796091 (cited by Natera, Inc.); PubMed 2019602 (cited by 7 submitters); PubMed 21073839 (cited by Labcorp Genetics (formerly Invitae), Labcorp and Mayo Clinic Laboratories, Mayo Clinic); PubMed 24584636 (cited by 4 submitters); PubMed 16278884 (cited by 3 submitters); PubMed 29095540 (cited by 3 submitters); PubMed 17697869 (cited by Variantyx, Inc.); PubMed 22878431 (cited by 4 submitters); PubMed 23115103 (cited by Ambry Genetics); PubMed 31589614 (cited by Mayo Clinic Laboratories, Mayo Clinic); PubMed 34426522 (cited by Mayo Clinic Laboratories, Mayo Clinic); PubMed 11181744 (cited by Women's Health and Genetics/Laboratory Corporation of America, LabCorp).